The following is an entry in ClinVar:

ClinVar aggregate classification (germline): Pathogenic (1 of 4 stars; one submission).

Conditions:
Glycogen storage disease, type V (GSD5). Also called: MCARDLE DISEASE; MUSCLE GLYCOGEN PHOSPHORYLASE DEFICIENCY; MYOPHOSPHORYLASE DEFICIENCY; PYGM DEFICIENCY; McArdle type glycogen storage disease. Identifiers: Orphanet 368, MedGen C0017924, MONDO:0009293, OMIM 232600.

Submission:

Myriad Genetics, Inc.
Classification: Pathogenic for Glycogen storage disease, type V. Last evaluated: 2024-05-14. Review status: criteria provided, single submitter. Criteria: Myriad Autosomal Dominant, Autosomal Recessive and X-Linked Classification Criteria (2023). Collection method: clinical testing. Allele origin: unknown.
Comment: NM_005609.2(PYGM):c.1299_1300ins13(E434Yfs*5) is expected to be pathogenic in the context of glycogen storage disease, PYGM-related. This variant is predicted to lead to an abnormal or absent protein product due to the creation of a premature termination codon in PYGM, a gene where loss-of-function variants are known to be pathogenic. Please note: this variant was assessed in the context of healthy population screening.

NM_005609.4(PYGM):c.1299_1300insTATAAGAGACAGT (p.Glu434delinsTyrLysArgGlnTer)

Gene: PYGM (glycogen phosphorylase, muscle associated; minus strand). Cytogenetic location: 11q13.1.
Variant type: Insertion.
Coding change: c.1299_1300insTATAAGAGACAGT on transcript NM_005609.4 (MANE Select); coding-DNA positions 1299 to 1300, TATAAGAGACAGT inserted.
Protein change: p.Glu434delinsTyrLysArgGlnTer.
Molecular consequence: nonsense.
Genome position: GRCh38 VCF-style: chr11-64753622-C-CACTGTCTCTTATA. GRCh37 (hg19) VCF-style: chr11-64521094-C-CACTGTCTCTTATA.
Other names: c.1035_1036insTATAAGAGACAGT, p.Glu346delinsTyrLysArgGlnTer (NM_001164716.1).
Identifiers: ClinVar variation 5010972 (VCV005010972.1).